The following is an entry in ClinVar:

NM_000059.4(BRCA2):c.2198T>C (p.Val733Ala)

Gene: BRCA2 (BRCA2 DNA repair associated; plus strand). Cytogenetic location: 13q13.1.
Variant type: single nucleotide variant.
Coding change: c.2198T>C on transcript NM_000059.4 (MANE Select); coding-DNA position 2198, T replaced by C.
Protein change: p.Val733Ala; replaces valine 733 with alanine.
Molecular consequence: missense variant. On other transcripts: non-coding transcript variant (1), intron variant (2).
Genome position (GRCh38, 1-based): chr13:32,336,553, T>C. VCF-style: chr13-32336553-T-C. GRCh37 (hg19) VCF-style: chr13-32910690-T-C.
Other names: c.2198T>C, p.Val733Ala (NM_001406719.1, NM_001406720.1, NM_001432077.1); c.1909+3166T>C (NM_001406721.1); c.424+5523T>C (NM_001406722.1); short protein forms V733A.
Identifiers: ClinVar variation 3673917 (VCV003673917.2).

ClinVar aggregate classification (germline): Uncertain significance (1 of 4 stars; one submission).

Conditions:
Hereditary breast ovarian cancer syndrome. Also called: Hereditary breast and ovarian cancer syndrome (HBOC); BRCA1- and BRCA2-Associated Hereditary Breast and Ovarian Cancer; Hereditary breast and/or ovarian cancer syndrome; Hereditary breast and ovarian cancer; Breast and ovarian cancer; Hereditary breast and ovarian cancer syndrome. Identifiers: Orphanet 145, MedGen C0677776, MeSH D061325, MONDO:0003582. Disease mechanism: loss of function.

Submission:

Labcorp Genetics (formerly Invitae), Labcorp
Classification: Uncertain significance for Hereditary breast ovarian cancer syndrome. Last evaluated: 2024-02-18. Review status: criteria provided, single submitter. Criteria: Invitae Variant Classification Sherloc (09022015). Collection method: clinical testing. Allele origin: germline.
Comment: This sequence change replaces valine, which is neutral and non-polar, with alanine, which is neutral and non-polar, at codon 733 of the BRCA2 protein (p.Val733Ala). This variant is not present in population databases (gnomAD no frequency). This variant has not been reported in the literature in individuals affected with BRCA2-related conditions. Advanced modeling of protein sequence and biophysical properties (such as structural, functional, and spatial information, amino acid conservation, physicochemical variation, residue mobility, and thermodynamic stability) performed at Invitae indicates that this missense variant is not expected to disrupt BRCA2 protein function with a negative predictive value of 95%. In summary, the available evidence is currently insufficient to determine the role of this variant in disease. Therefore, it has been classified as a Variant of Uncertain Significance.